The following is an entry in ClinVar:

ClinVar aggregate classification (germline): Pathogenic (1 of 4 stars; one submission).

Conditions:
Neurofibromatosis, type 2 (SWNV). Also called: BILATERAL ACOUSTIC NEUROFIBROMATOSIS; NF2-Related Schwannomatosis; SCHWANNOMATOSIS, VESTIBULAR. Identifiers: Orphanet 637, MedGen C0027832, MONDO:0007039, OMIM 101000. Disease mechanism: loss of function.

Submissions (2):

Labcorp Genetics (formerly Invitae), Labcorp
Classification: Pathogenic for Neurofibromatosis, type 2. Last evaluated: 2021-08-30. Review status: criteria provided, single submitter. Criteria: Invitae Variant Classification Sherloc (09022015). Collection method: clinical testing. Allele origin: germline.
Comment: This sequence change affects a donor splice site in intron 10 of the NF2 gene. It is expected to disrupt RNA splicing. Variants that disrupt the donor or acceptor splice site typically lead to a loss of protein function (PMID: 16199547), and loss-of-function variants in NF2 are known to be pathogenic (PMID: 9643284, 16983642). This variant is not present in population databases (ExAC no frequency). Disruption of this splice site has been observed in individuals with neurofibromatosis 2 (PMID: 7913580; Invitae). Algorithms developed to predict the effect of sequence changes on RNA splicing suggest that this variant may disrupt the consensus splice site. For these reasons, this variant has been classified as Pathogenic.

Dr. Peter K. Rogan Lab, Western University
No classification provided (evidence only). Condition: Cholangiocarcinoma. Review status: no classification provided. Collection method: in vitro. Allele origin: not applicable. Functional consequence: skipped exon. Not counted in ClinVar's aggregate classification.

Literature cited by the submitters: PubMed 16199547 (cited by Labcorp Genetics (formerly Invitae), Labcorp); PubMed 9643284 (cited by Labcorp Genetics (formerly Invitae), Labcorp); PubMed 16983642 (cited by Labcorp Genetics (formerly Invitae), Labcorp); PubMed 7913580 (cited by Labcorp Genetics (formerly Invitae), Labcorp).

NM_000268.4(NF2):c.999+2T>G

Gene: NF2 (NF2, moesin-ezrin-radixin like (MERLIN) tumor suppressor; plus strand). Cytogenetic location: 22q12.2.
Variant type: single nucleotide variant.
Coding change: c.999+2T>G on transcript NM_000268.4 (MANE Select); the canonical splice donor site of the intron after coding-DNA position 999, T replaced by G.
Molecular consequence: splice donor variant. On other transcripts: intron variant (1).
Genome position (GRCh38, 1-based): chr22:29,668,448, T>G. VCF-style: chr22-29668448-T-G. GRCh37 (hg19) VCF-style: chr22-30064437-T-G.
Other names: c.999+2T>G (NM_016418.5, NM_181832.3, NM_001407060.1 and 2 more transcripts); c.885+2T>G (NM_001407056.1, NM_001407053.1); c.768+2T>G (NM_001407067.1); c.465+2T>G (NM_001407065.1); c.864+2T>G (NM_001407059.1, NM_001407057.1); c.447+26163T>G (NM_181833.3); c.876+2T>G (NM_001407058.1, NM_181829.3, NM_001407054.1); c.741+2T>G (NM_001407062.1); and 2 more.
Identifiers: ClinVar variation 1389374 (VCV001389374.7), dbSNP rs2147053345, ClinGen allele CA411146233.
Genomic context (GRCh38, chr22:29,668,448, plus strand): 5'-ATTCTTTGGAAGTTCAGCAGATGAAAGCCCAGGCCAGGGAGGAGAAGGCTAGAAAGCAGG[T>G]GAGCACAACCTTGTTTTAACTGATGATGTCACTGTGTGGTCAGTCCTGGCCTGGGAGGCG-3'